The following is an entry in ClinVar:

ClinVar aggregate classification (germline): Likely benign. Review status: reviewed by expert panel (3 of 4 stars). 2 submissions from 2 submitters: Likely benign (1). 1 of the submissions does not count toward it. Last evaluated 2017-06-29.

Conditions:
Hereditary breast ovarian cancer syndrome. Also called: Hereditary breast and ovarian cancer syndrome (HBOC); BRCA1- and BRCA2-Associated Hereditary Breast and Ovarian Cancer; Hereditary breast and/or ovarian cancer syndrome; Hereditary breast and ovarian cancer syndrome; Hereditary breast and ovarian cancer; Breast and ovarian cancer. Identifiers: Orphanet 145, MedGen C0677776, MeSH D061325, MONDO:0003582. Disease mechanism: loss of function.
Breast-ovarian cancer, familial, susceptibility to, 1 (BROVCA1). Also called: BRCA1 Hereditary Breast and Ovarian Cancer; OVARIAN CANCER, SUSCEPTIBILITY TO. Identifiers: Orphanet 145, MedGen C2676676, MONDO:0011450, OMIM 604370. Disease mechanism: loss of function.

Allele frequency attached by ClinVar (database versions not stated): gnomAD exomes below 0.00001.
gnomAD v4.1: 1 of 1,614,130 alleles (0.000062%); highest among the groups gnomAD compares: Non-Finnish European, 0.000085%; no homozygotes.

Submissions (2):

Evidence-based Network for the Interpretation of Germline Mutant Alleles (ENIGMA)
Classification: Likely benign for Breast-ovarian cancer, familial, susceptibility to, 1. Last evaluated: 2017-06-29. Review status: reviewed by expert panel. Criteria: ENIGMA BRCA1/2 Classification Criteria (2017-06-29). Collection method: curation. Allele origin: germline.
Comment: Synonymous substitution variant, with low bioinformatic likelihood to result in a splicing aberration (Splicing prior probability 0.02).

Labcorp Genetics (formerly Invitae), Labcorp
Classification: Likely benign for Hereditary breast ovarian cancer syndrome. Last evaluated: 2018-05-04. Review status: criteria provided, single submitter. Criteria: Invitae Variant Classification Sherloc (09022015). Collection method: clinical testing. Allele origin: germline. Not counted in ClinVar's aggregate classification.

NM_007294.4(BRCA1):c.4599T>C (p.Asp1533=)

Gene: BRCA1 (BRCA1 DNA repair associated; minus strand). Cytogenetic location: 17q21.31.
Variant type: single nucleotide variant.
Coding change: c.4599T>C on transcript NM_007294.4 (MANE Select); coding-DNA position 4599, T replaced by C.
Protein change: p.Asp1533=; no amino-acid change (aspartic acid 1533 retained).
Molecular consequence: synonymous variant. On other transcripts: intron variant (3).
Genome position (GRCh38, 1-based): chr17:43,074,407, A>G on the plus strand (T>C on the coding strand, the complement: BRCA1 is on the minus strand). VCF-style: chr17-43074407-A-G. GRCh37 (hg19) VCF-style: chr17-41226424-A-G.
Other names: c.1287T>C, p.Asp429= (NM_001407991.1, NM_001407992.1, NM_001407993.1 and 13 more transcripts); c.1284T>C, p.Asp428= (NM_001408392.1, NM_001408396.1, NM_001408397.1 and 8 more transcripts); c.1281T>C, p.Asp427= (NM_001408406.1, NM_001408407.1, NM_001408408.1); c.1278T>C, p.Asp426= (NM_001408409.1); c.1215T>C, p.Asp405= (NM_001408410.1); c.1212T>C, p.Asp404= (NM_001408411.1); c.1209T>C, p.Asp403= (NM_001408412.1, NM_001408413.1, NM_001408414.1 and 2 more transcripts); c.1173T>C, p.Asp391= (NM_001408418.1, NM_001408419.1, NM_001408420.1); and 71 more.
Identifiers: ClinVar variation 427286 (VCV000427286.15), dbSNP rs1131692095, ClinGen allele CA500146601.